The following is an entry in ClinVar:

NM_003060.4(SLC22A5):c.1140G>T (p.Ala380=)

Gene: SLC22A5 (solute carrier family 22 member 5; plus strand). Cytogenetic location: 5q31.1.
Variant type: single nucleotide variant.
Coding change: c.1140G>T on transcript NM_003060.4 (MANE Select); coding-DNA position 1140, G replaced by T.
Protein change: p.Ala380=; no amino-acid change (alanine 380 retained).
Molecular consequence: synonymous variant.
Genome position (GRCh38, 1-based): chr5:132,390,777, G>T. VCF-style: chr5-132390777-G-T. GRCh37 (hg19) VCF-style: chr5-131726469-G-T.
Other names: c.1212G>T, p.Ala404= (NM_001308122.2).
Identifiers: ClinVar variation 2018270 (VCV002018270.4), dbSNP rs375679167, ClinGen allele CA446338226.

ClinVar aggregate classification (germline): Uncertain significance (1 of 4 stars; one submission).

Conditions:
Renal carnitine transport defect (CDSP). Also called: CARNITINE DEFICIENCY, SYSTEMIC, DUE TO DEFECT IN RENAL REABSORPTION OF CARNITINE; CARNITINE TRANSPORTER, PLASMA-MEMBRANE, DEFICIENCY OF; CARNITINE UPTAKE DEFECT; Carnitine transporter deficiency; Carnitine Deficiency, Systemic; Systemic primary carnitine deficiency disease. Identifiers: Orphanet 158, MedGen C0342788, MONDO:0008919, OMIM 212140.

Submission:

Labcorp Genetics (formerly Invitae), Labcorp
Classification: Uncertain significance for Renal carnitine transport defect. Last evaluated: 2022-07-20. Review status: criteria provided, single submitter. Criteria: Invitae Variant Classification Sherloc (09022015). Collection method: clinical testing. Allele origin: germline.
Comment: In summary, the available evidence is currently insufficient to determine the role of this variant in disease. Therefore, it has been classified as a Variant of Uncertain Significance. Algorithms developed to predict the effect of sequence changes on RNA splicing suggest that this variant may create or strengthen a splice site. This variant has not been reported in the literature in individuals affected with SLC22A5-related conditions. This variant is not present in population databases (gnomAD no frequency). This sequence change affects codon 380 of the SLC22A5 mRNA. It is a 'silent' change, meaning that it does not change the encoded amino acid sequence of the SLC22A5 protein.